The following is an entry in ClinVar:

NM_001555.5(IGSF1):c.2301G>A (p.Pro767=)

Gene: IGSF1 (immunoglobulin superfamily member 1; minus strand). Cytogenetic location: Xq26.1.
Variant type: single nucleotide variant.
Coding change: c.2301G>A on transcript NM_001555.5 (MANE Select); coding-DNA position 2301, G replaced by A.
Protein change: p.Pro767=; no amino-acid change (proline 767 retained).
Molecular consequence: synonymous variant.
Genome position (GRCh38, 1-based): chrX:131,277,875, C>T on the plus strand (G>A on the coding strand, the complement: IGSF1 is on the minus strand). VCF-style: chrX-131277875-C-T. GRCh37 (hg19) VCF-style: chrX-130411849-C-T.
Other names: c.2316G>A, p.Pro772= (NM_001170961.2); c.2274G>A, p.Pro758= (NM_001170962.2).
Identifiers: ClinVar variation 2661441 (VCV002661441.24), dbSNP rs767364150, ClinGen allele CA10517828.

ClinVar aggregate classification (germline): Likely benign (1 of 4 stars; one submission).

gnomAD v4.1: 25 of 1,206,839 alleles (0.0021%); highest among the groups gnomAD compares: East Asian, 0.018%; no homozygotes.

Submission:

CeGaT Center for Human Genetics Tuebingen
Classification: Likely benign. Last evaluated: 2022-04-01. Review status: criteria provided, single submitter. Criteria: CeGaT Center For Human Genetics Tuebingen Variant Classification Criteria Version 2. Collection method: clinical testing. Allele origin: germline. Affected: yes. Observed: 1 variant allele.
Comment: IGSF1: BP4, BP7